The following is an entry in ClinVar:

ClinVar aggregate classification (germline): Uncertain significance (1 of 4 stars; one submission).

Conditions:
Inborn genetic diseases. Identifiers: MedGen C0950123, MeSH D030342.

Allele frequency attached by ClinVar (database versions not stated): gnomAD exomes below 0.00001; TOPMed below 0.00001; gnomAD 0.00001.
gnomAD v4.1: 3 of 1,550,208 alleles (0.00019%); highest among the groups gnomAD compares: Admixed American, 0.005%; no homozygotes.

Submission:

Ambry Genetics
Classification: Uncertain significance for Inborn genetic diseases. Last evaluated: 2024-11-14. Review status: criteria provided, single submitter. Criteria: Ambry Variant Classification Scheme 2023. Collection method: clinical testing. Allele origin: germline.
Comment: The p.R950I variant (also known as c.2849G>T), located in coding exon 22 of the LRRK2 gene, results from a G to T substitution at nucleotide position 2849. The arginine at codon 950 is replaced by isoleucine, an amino acid with similar properties. This amino acid position is conserved. In addition, this alteration is predicted to be tolerated by in silico analysis. Since supporting evidence is limited at this time, the clinical significance of this alteration remains unclear.

NM_198578.4(LRRK2):c.2849G>T (p.Arg950Ile)

Gene: LRRK2 (leucine rich repeat kinase 2; plus strand). Cytogenetic location: 12q12.
Variant type: single nucleotide variant.
Coding change: c.2849G>T on transcript NM_198578.4 (MANE Select); coding-DNA position 2849, G replaced by T.
Protein change: p.Arg950Ile; replaces arginine 950 with isoleucine.
Molecular consequence: missense variant.
Genome position (GRCh38, 1-based): chr12:40,294,885, G>T. VCF-style: chr12-40294885-G-T. GRCh37 (hg19) VCF-style: chr12-40688687-G-T.
Other names: short protein forms R950I.
Identifiers: ClinVar variation 1796802 (VCV001796802.3), dbSNP rs1274150826, ClinGen allele CA384412259.